The following is an entry in ClinVar:

NM_001999.4(FBN2):c.2634G>A (p.Ser878=)

Gene: FBN2 (fibrillin 2; minus strand). Cytogenetic location: 5q23.3.
Variant type: single nucleotide variant.
Coding change: c.2634G>A on transcript NM_001999.4 (MANE Select); coding-DNA position 2634, G replaced by A.
Protein change: p.Ser878=; no amino-acid change (serine 878 retained).
Molecular consequence: synonymous variant.
Genome position (GRCh38, 1-based): chr5:128,357,316, C>T on the plus strand (G>A on the coding strand, the complement: FBN2 is on the minus strand). VCF-style: chr5-128357316-C-T. GRCh37 (hg19) VCF-style: chr5-127693008-C-T.
Identifiers: ClinVar variation 528449 (VCV000528449.12), dbSNP rs143905167, ClinGen allele CA3395489.

ClinVar aggregate classification (germline): Likely benign. Review status: criteria provided, multiple submitters, no conflicts (2 of 4 stars). 3 submissions from 3 submitters: Likely benign (3). Last evaluated 2026-02-04.

Conditions:
Familial thoracic aortic aneurysm and aortic dissection (TAAD). Also called: Thoracic aortic aneurysms and dissections. Identifiers: Orphanet 91387, MedGen C4707243, MONDO:0019625.
Congenital contractural arachnodactyly (CCA). Also called: Beals-Hecht syndrome; BEALS SYNDROME; Arthrogryposis, distal, type 9. Identifiers: Orphanet 115, MedGen C0220668, MONDO:0007363, OMIM 121050.

Allele frequency attached by ClinVar (database versions not stated): gnomAD 0.00003; TOPMed 0.00006; ESP Exome Variant Server 0.00008; ExAC 0.00014; 1000 Genomes Project 30x 0.00016; 1000 Genomes Project 0.00020.
gnomAD v4.1: 135 of 1,613,922 alleles (0.0084%); highest among the groups gnomAD compares: Middle Eastern, 0.066%; 1 homozygote.

Submissions (3):

Labcorp Genetics (formerly Invitae), Labcorp
Classification: Likely benign for Congenital contractural arachnodactyly. Last evaluated: 2026-02-04. Review status: criteria provided, single submitter. Criteria: Invitae Variant Classification Sherloc (09022015). Collection method: clinical testing. Allele origin: germline.

Ambry Genetics
Classification: Likely benign for Familial thoracic aortic aneurysm and aortic dissection. Last evaluated: 2022-08-17. Review status: criteria provided, single submitter. Criteria: Ambry Variant Classification Scheme 2023. Collection method: clinical testing. Allele origin: germline.

GeneDx
Classification: Likely benign. Last evaluated: 2018-06-12. Review status: criteria provided, single submitter. Criteria: GeneDx Variant Classification (06012015). Collection method: clinical testing. Allele origin: germline. Affected: yes.
Comment: This variant is considered likely benign or benign based on one or more of the following criteria: it is a conservative change, it occurs at a poorly conserved position in the protein, it is predicted to be benign by multiple in silico algorithms, and/or has population frequency not consistent with disease.